The following is an entry in ClinVar:

ClinVar aggregate classification (germline): Uncertain significance. Review status: criteria provided, multiple submitters, no conflicts (2 of 4 stars). 5 submissions from 5 submitters: Uncertain significance (5). Last evaluated 2026-01-19.

Conditions:
Inborn genetic diseases. Identifiers: MedGen C0950123, MeSH D030342.

Allele frequency attached by ClinVar (database versions not stated): ExAC 0.00002; gnomAD 0.00003 and 0.00004; gnomAD exomes 0.00003; TOPMed 0.00009; ESP Exome Variant Server 0.00015.
gnomAD v4.1: 49 of 1,614,074 alleles (0.003%); highest among the groups gnomAD compares: African/African-American, 0.008%; no homozygotes.

Submissions (5):

Labcorp Genetics (formerly Invitae), Labcorp
Classification: Uncertain significance. Last evaluated: 2026-01-19. Review status: criteria provided, single submitter. Criteria: Invitae Variant Classification Sherloc (09022015). Collection method: clinical testing. Allele origin: germline.
Comment: This sequence change replaces arginine, which is basic and polar, with tryptophan, which is neutral and slightly polar, at codon 440 of the FBLN5 protein (p.Arg440Trp). This variant is present in population databases (rs373274789, gnomAD 0.02%). This variant has not been reported in the literature in individuals affected with FBLN5-related conditions. ClinVar contains an entry for this variant (Variation ID: 667236). Invitae Evidence Modeling of protein sequence and biophysical properties (such as structural, functional, and spatial information, amino acid conservation, physicochemical variation, residue mobility, and thermodynamic stability) indicates that this missense variant is not expected to disrupt FBLN5 protein function with a negative predictive value of 80%. In summary, the available evidence is currently insufficient to determine the role of this variant in disease. Therefore, it has been classified as a Variant of Uncertain Significance.

Ambry Genetics
Classification: Uncertain significance for Inborn genetic diseases. Last evaluated: 2025-04-25. Review status: criteria provided, single submitter. Criteria: Ambry Variant Classification Scheme 2023. Collection method: clinical testing. Allele origin: germline.

Revvity Omics, Revvity
Classification: Uncertain significance. Last evaluated: 2024-09-13. Review status: criteria provided, single submitter. Criteria: ACMG Guidelines, 2015. Collection method: clinical testing. Allele origin: germline.

GeneDx
Classification: Uncertain significance. Last evaluated: 2019-06-05. Review status: criteria provided, single submitter. Criteria: GeneDx Variant Classification Process June 2021. Collection method: clinical testing. Allele origin: germline. Affected: yes.
Comment: Has not been previously published as pathogenic or benign to our knowledge; In silico analysis, which includes protein predictors and evolutionary conservation, supports that this variant does not alter protein structure/function

Laboratory for Molecular Medicine, Mass General Brigham Personalized Medicine
Classification: Uncertain significance. Last evaluated: 2018-12-31. Review status: criteria provided, single submitter. Criteria: LMM Criteria. Collection method: clinical testing. Allele origin: germline. Observed: 1 variant allele.
Comment: The p.Arg440Trp variant in FBLN5 has not been previously reported in individuals with cutis laxa but has been identified in 0.02% (3/16256) of African chromosom es by gnomAD. Computational prediction tools and conservation analysis suggest that this variant may impact the protein, thou gh this information is not predictive enough to determine pathogenicity. In summ ary, the clinical significance of the p.Arg440Trp variant is uncertain. ACMG/AMP Criteria applied: PP3.

NM_006329.4(FBLN5):c.1318C>T (p.Arg440Trp)

Gene: FBLN5 (fibulin 5; minus strand). Cytogenetic location: 14q32.12.
Variant type: single nucleotide variant.
Coding change: c.1318C>T on transcript NM_006329.4 (MANE Select); coding-DNA position 1318, C replaced by T.
Protein change: p.Arg440Trp; replaces arginine 440 with tryptophan.
Molecular consequence: missense variant. On other transcripts: 3 prime UTR variant (2).
Genome position (GRCh38, 1-based): chr14:91,870,253, G>A on the plus strand (C>T on the coding strand, the complement: FBLN5 is on the minus strand). VCF-style: chr14-91870253-G-A. GRCh37 (hg19) VCF-style: chr14-92336597-G-A.
Other names: c.1441C>T, p.Arg481Trp (NM_001384158.1); c.1369C>T, p.Arg457Trp (NM_001384159.1); c.*102C>T (NM_001384160.1, NM_001384161.1); c.1150C>T, p.Arg384Trp (NM_001384162.1); short protein forms R440W, R384W, R457W, R481W.
Identifiers: ClinVar variation 667236 (VCV000667236.14), dbSNP rs373274789, ClinGen allele CA7312565.